The following is an entry in ClinVar:

ClinVar aggregate classification (germline): Uncertain significance (1 of 4 stars; one submission).

Allele frequency attached by ClinVar (database versions not stated): TOPMed below 0.00001.

Submission:

Labcorp Genetics (formerly Invitae), Labcorp
Classification: Uncertain significance. Last evaluated: 2022-05-25. Review status: criteria provided, single submitter. Criteria: Invitae Variant Classification Sherloc (09022015). Collection method: clinical testing. Allele origin: germline.
Comment: This sequence change replaces lysine, which is basic and polar, with glutamine, which is neutral and polar, at codon 280 of the C1QBP protein (p.Lys280Gln). This variant is not present in population databases (gnomAD no frequency). This variant has not been reported in the literature in individuals affected with C1QBP-related conditions. Algorithms developed to predict the effect of missense changes on protein structure and function are either unavailable or do not agree on the potential impact of this missense change (SIFT: "Tolerated"; PolyPhen-2: "Possibly Damaging"; Align-GVGD: "Class C0"). In summary, the available evidence is currently insufficient to determine the role of this variant in disease. Therefore, it has been classified as a Variant of Uncertain Significance.

NM_001212.4(C1QBP):c.838A>C (p.Lys280Gln)

Gene: C1QBP (complement C1q binding protein; minus strand). Cytogenetic location: 17p13.2.
Variant type: single nucleotide variant.
Coding change: c.838A>C on transcript NM_001212.4 (MANE Select); coding-DNA position 838, A replaced by C.
Protein change: p.Lys280Gln; replaces lysine 280 with glutamine.
Molecular consequence: missense variant.
Genome position (GRCh38, 1-based): chr17:5,433,026, T>G on the plus strand (A>C on the coding strand, the complement: C1QBP is on the minus strand). VCF-style: chr17-5433026-T-G. GRCh37 (hg19) VCF-style: chr17-5336346-T-G.
Other names: short protein forms K280Q.
Identifiers: ClinVar variation 1900826 (VCV001900826.2), dbSNP rs1916135673, ClinGen allele CA397369850.